The following is an entry in ClinVar:

ClinVar aggregate classification (germline): Uncertain significance. Review status: criteria provided, multiple submitters, no conflicts (2 of 4 stars). 2 submissions from 2 submitters: Uncertain significance (2). Last evaluated 2021-11-05.

Submissions (2):

Labcorp Genetics (formerly Invitae), Labcorp
Classification: Uncertain significance. Last evaluated: 2021-11-05. Review status: criteria provided, single submitter. Criteria: Invitae Variant Classification Sherloc (09022015). Collection method: clinical testing. Allele origin: germline.
Comment: Experimental studies and prediction algorithms are not available or were not evaluated, and the functional significance of this variant is currently unknown. In summary, the available evidence is currently insufficient to determine the role of this variant in disease. Therefore, it has been classified as a Variant of Uncertain Significance. This variant has not been reported in the literature in individuals affected with TPRN-related conditions. The frequency data for this variant in the population databases is considered unreliable, as metrics indicate poor data quality at this position in the gnomAD database. This variant, c.1830_1844del, results in the deletion of 5 amino acid(s) of the TPRN protein (p.Glu617_Glu621del), but otherwise preserves the integrity of the reading frame.

Eurofins Ntd Llc (ga)
Classification: Uncertain significance. Last evaluated: 2016-09-14. Review status: criteria provided, single submitter. Criteria: EGL Classification Definitions 2015. Collection method: clinical testing. Allele origin: germline. Observed: 1 variant allele, 1 heterozygote.

NM_001128228.3(TPRN):c.1818GGA[4] (p.Glu617_Glu621del)

Gene: TPRN (taperin; minus strand). Cytogenetic location: 9q34.3.
Variant type: Microsatellite.
Coding change: c.1818GGA[4] on transcript NM_001128228.3 (MANE Select); four copies in a row of the 3-base unit GGA starting at c.1818; the reference has nine copies in a row; five copies, 15 bases deleted.
Protein change: p.Glu617_Glu621del.
Molecular consequence: inframe deletion.
Genome position (GRCh38, 1-based): chr9:137,192,573-137,192,587, TCCTCCTCCTCCTCC deleted on the plus strand (GGAGGAGGAGGAGGA on the coding strand, the reverse complement: TPRN is on the minus strand); deleting any 15 consecutive bases within chr9:137,192,573-137,192,600 gives the same sequence; the position shown is the placement nearest the transcript's 3' end. VCF-style (leftmost placement, unchanged base first): chr9-137192572-TTCCTCCTCCTCCTCC-T. GRCh37 (hg19) VCF-style: chr9-140087024-TTCCTCCTCCTCCTCC-T.
Identifiers: ClinVar variation 290826 (VCV000290826.10), dbSNP rs376810326, ClinGen allele CA5362627.